The following is an entry in ClinVar:

NM_000533.5(PLP1):c.608A>G (p.Asp203Gly)

Genes: PLP1 (proteolipid protein 1; plus strand), RAB9B (RAB9B, member RAS oncogene family; minus strand). Cytogenetic location: Xq22.2.
Variant type: single nucleotide variant.
Coding change: c.608A>G on transcript NM_000533.5 (MANE Select); coding-DNA position 608, A replaced by G.
Protein change: p.Asp203Gly; replaces aspartic acid 203 with glycine.
Molecular consequence: missense variant.
Genome position (GRCh38, 1-based): chrX:103,787,952, A>G. VCF-style: chrX-103787952-A-G. GRCh37 (hg19) VCF-style: chrX-103042881-A-G.
Other names: c.608A>G, p.Asp203Gly (NM_001128834.3); c.443A>G, p.Asp148Gly (NM_001305004.1); c.503A>G, p.Asp168Gly (NM_199478.3); short protein forms D148G, D168G, D203G.
Identifiers: ClinVar variation 2737323 (VCV002737323.3), dbSNP rs2522315377, ClinGen allele CA414104099.

ClinVar aggregate classification (germline): Likely pathogenic (1 of 4 stars; one submission).

Conditions:
Hereditary spastic paraplegia 2 (SPG2). Also called: SPASTIC PARAPLEGIA 2, X-LINKED; Spastic Paraplegia 2 (SPG2). Identifiers: Orphanet 99015, MedGen C0751604, MONDO:0010733, OMIM 312920.

Submission:

Labcorp Genetics (formerly Invitae), Labcorp
Classification: Likely pathogenic for Hereditary spastic paraplegia 2. Last evaluated: 2023-03-29. Review status: criteria provided, single submitter. Criteria: Invitae Variant Classification Sherloc (09022015). Collection method: clinical testing. Allele origin: germline.
Comment: This sequence change replaces aspartic acid, which is acidic and polar, with glycine, which is neutral and non-polar, at codon 203 of the PLP1 protein (p.Asp203Gly). This variant is not present in population databases (gnomAD no frequency). This missense change has been observed in individuals with Pelizaeus-Merzbacher disease (PMID: 10417279; external communication). This variant is also known as D202G. Advanced modeling of protein sequence and biophysical properties (such as structural, functional, and spatial information, amino acid conservation, physicochemical variation, residue mobility, and thermodynamic stability) performed at Invitae indicates that this missense variant is expected to disrupt PLP1 protein function. This variant disrupts the p.Asp203 amino acid residue in PLP1. Other variant(s) that disrupt this residue have been observed in individuals with PLP1-related conditions (PMID: 10417279), which suggests that this may be a clinically significant amino acid residue. In summary, the currently available evidence indicates that the variant is pathogenic, but additional data are needed to prove that conclusively. Therefore, this variant has been classified as Likely Pathogenic.

Literature cited by the submitters: PubMed 10417279.